The following is an entry in ClinVar:

ClinVar aggregate classification (germline): Uncertain significance (1 of 4 stars; one submission).

Submission:

Labcorp Genetics (formerly Invitae), Labcorp
Classification: Uncertain significance. Last evaluated: 2022-06-09. Review status: criteria provided, single submitter. Criteria: Invitae Variant Classification Sherloc (09022015). Collection method: clinical testing. Allele origin: germline.
Comment: This sequence change replaces glycine, which is neutral and non-polar, with arginine, which is basic and polar, at codon 204 of the CNGB1 protein (p.Gly204Arg). This variant is not present in population databases (gnomAD no frequency). This variant has not been reported in the literature in individuals affected with CNGB1-related conditions. Advanced modeling of protein sequence and biophysical properties (such as structural, functional, and spatial information, amino acid conservation, physicochemical variation, residue mobility, and thermodynamic stability) performed at Invitae indicates that this missense variant is not expected to disrupt CNGB1 protein function. In summary, the available evidence is currently insufficient to determine the role of this variant in disease. Therefore, it has been classified as a Variant of Uncertain Significance.

NM_001297.5(CNGB1):c.610G>C (p.Gly204Arg)

Gene: CNGB1 (cyclic nucleotide gated channel subunit beta 1; minus strand). Cytogenetic location: 16q21.
Variant type: single nucleotide variant.
Coding change: c.610G>C on transcript NM_001297.5 (MANE Select); coding-DNA position 610, G replaced by C.
Protein change: p.Gly204Arg; replaces glycine 204 with arginine.
Molecular consequence: missense variant.
Genome position (GRCh38, 1-based): chr16:57,960,039, C>G on the plus strand (G>C on the coding strand, the complement: CNGB1 is on the minus strand). VCF-style: chr16-57960039-C-G. GRCh37 (hg19) VCF-style: chr16-57993943-C-G.
Other names: c.610G>C, p.Gly204Arg (NM_001135639.2); c.592G>C, p.Gly198Arg (NM_001286130.2); short protein forms G198R, G204R.
Identifiers: ClinVar variation 1969556 (VCV001969556.5), dbSNP rs201654405, ClinGen allele CA396077871.
Genomic context (GRCh38, chr16:57,960,039, plus strand): 5'-TGGGCTGCAGGGGGATGGGTGTGGGCAGGGAGGGGGTCTCCCGGGCCTGCAGCTTGGGCC[C>G]CATTTCCTGGGGGCGTCCTGGAGGCGCTAAGCAGCGGGGAAAGCAGGAGCTAGAGACGCC-3'
Protein context (NP_001288.3, residues 194-214): PAPPGRPQEM[Gly204Arg]PKLQARETPS